The following is an entry in ClinVar:

NM_017763.6(RNF43):c.1596C>T (p.Ser532=)

Gene: RNF43 (ring finger protein 43; minus strand). Cytogenetic location: 17q22.
Variant type: single nucleotide variant.
Coding change: c.1596C>T on transcript NM_017763.6 (MANE Select); coding-DNA position 1596, C replaced by T.
Protein change: p.Ser532=; no amino-acid change (serine 532 retained).
Molecular consequence: synonymous variant.
Genome position (GRCh38, 1-based): chr17:58,358,180, G>A on the plus strand (C>T on the coding strand, the complement: RNF43 is on the minus strand). VCF-style: chr17-58358180-G-A. GRCh37 (hg19) VCF-style: chr17-56435541-G-A.
Other names: c.1596C>T, p.Ser532= (NM_001305544.3); c.1215C>T, p.Ser405= (NM_001305545.2).
Identifiers: ClinVar variation 3946910 (VCV003946910.2).
Genomic context (GRCh38, chr17:58,358,180, plus strand): 5'-GCGGTGGTAGTGGACATGGCTGGAAACCTGGGTTTCCCCTGTGGGCACCACCGAGTCCAA[G>A]GAACGAGGCCGAGAGGTCACACTAGGCTGCATGTCCACTCGCTGGGGATCCCCTTTAGGG-3'
Protein context (NP_060233.3, residues 522-542): MQPSVTSRPR[Ser532=]LDSVVPTGET

ClinVar aggregate classification (germline): Benign/Likely benign. Review status: criteria provided, multiple submitters, no conflicts (2 of 4 stars). 2 submissions from 2 submitters: Benign (1); Likely benign (1). Last evaluated 2026-07-02.

Conditions:
Sessile serrated polyposis cancer syndrome (SSPCS). Identifiers: Orphanet 157798, MedGen C4310714, MONDO:0014919, OMIM 617108.

gnomAD v4.1: 7 of 1,612,374 alleles (0.00043%); highest among the groups gnomAD compares: Admixed American, 0.005%; no homozygotes.

Submissions (2):

Myriad Genetics, Inc.
Classification: Benign for Sessile serrated polyposis cancer syndrome. Last evaluated: 2026-07-02. Review status: criteria provided, single submitter. Criteria: Myriad Autosomal Dominant, Autosomal Recessive and X-Linked Classification Criteria (2023). Collection method: clinical testing. Allele origin: unknown.
Comment: This variant is considered benign. This variant is a silent/synonymous amino acid change and it is not expected to impact splicing.

Ambry Genetics
Classification: Likely benign. Last evaluated: 2025-05-23. Review status: criteria provided, single submitter. Criteria: Ambry Variant Classification Scheme 2023. Collection method: clinical testing. Allele origin: germline.